The following is an entry in ClinVar:

ClinVar aggregate classification (germline): Likely benign. Review status: criteria provided, multiple submitters, no conflicts (2 of 4 stars). 3 submissions from 3 submitters: Likely benign (3). Last evaluated 2026-04-01.

Allele frequency attached by ClinVar (database versions not stated): 1000 Genomes Project 30x 0.00031; 1000 Genomes Project 0.00040; ExAC 0.00182; TOPMed 0.00186; gnomAD 0.00188; ESP Exome Variant Server 0.00269.
gnomAD v4.1: 3,764 of 1,614,090 alleles (0.23%); highest among the groups gnomAD compares: Non-Finnish European, 0.27%; 7 homozygotes.

Submissions (3):

CeGaT Center for Human Genetics Tuebingen
Classification: Likely benign. Last evaluated: 2026-04-01. Review status: criteria provided, single submitter. Criteria: CeGaT Center For Human Genetics Tuebingen Variant Classification Criteria Version 2. Collection method: clinical testing. Allele origin: germline. Affected: yes. Observed: 3 variant alleles.
Comment: VPS16: BS2

Labcorp Genetics (formerly Invitae), Labcorp
Classification: Likely benign. Last evaluated: 2018-01-31. Review status: criteria provided, single submitter. Criteria: Invitae Variant Classification Sherloc (09022015). Collection method: clinical testing. Allele origin: germline.

Breakthrough Genomics
Classification: Likely benign. Review status: criteria provided, single submitter. Criteria: ACMG Guidelines, 2015. Collection method: not provided. Allele origin: germline. Inheritance: Autosomal dominant inheritance. Affected: yes.

NM_022575.4(VPS16):c.1561G>A (p.Asp521Asn)

Gene: VPS16 (VPS16 core subunit of CORVET and HOPS complexes; plus strand). Cytogenetic location: 20p13.
Variant type: single nucleotide variant.
Coding change: c.1561G>A on transcript NM_022575.4 (MANE Select); coding-DNA position 1561, G replaced by A.
Protein change: p.Asp521Asn; replaces aspartic acid 521 with asparagine.
Molecular consequence: missense variant.
Genome position (GRCh38, 1-based): chr20:2,864,033, G>A. VCF-style: chr20-2864033-G-A. GRCh37 (hg19) VCF-style: chr20-2844679-G-A.
Other names: c.1129G>A, p.Asp377Asn (NM_080413.3); short protein forms D377N, D521N.
Identifiers: ClinVar variation 717104 (VCV000717104.11), dbSNP rs61729231, ClinGen allele CA9737790.